The following is an entry in ClinVar:

NM_003072.5(SMARCA4):c.3533G>A (p.Trp1178Ter)

Gene: SMARCA4 (SWI/SNF related BAF chromatin remodeling complex subunit ATPase 4; plus strand). Cytogenetic location: 19p13.2.
Variant type: single nucleotide variant.
Coding change: c.3533G>A on transcript NM_003072.5 (MANE Select); coding-DNA position 3533, G replaced by A.
Protein change: p.Trp1178Ter; replaces tryptophan 1178 with a stop codon.
Molecular consequence: nonsense. On other transcripts: non-coding transcript variant (1).
Genome position (GRCh38, 1-based): chr19:11,030,880, G>A. VCF-style: chr19-11030880-G-A. GRCh37 (hg19) VCF-style: chr19-11141556-G-A.
Other names: c.3533G>A, p.Trp1178Ter (NM_001128844.3, NM_001128845.2, NM_001128846.2 and 5 more transcripts); short protein forms W1178*.
Identifiers: ClinVar variation 139439 (VCV000139439.4), dbSNP rs587777460, ClinGen allele CA163206.

ClinVar aggregate classification (germline): Pathogenic. Review status: criteria provided, single submitter (1 of 4 stars). 2 submissions from 2 submitters: Pathogenic (1). 1 of the submissions does not count toward it. Last evaluated 2023-08-08.

Conditions:
Hereditary cancer-predisposing syndrome. Also called: Neoplastic Syndromes, Hereditary; Tumor predisposition; Hereditary Cancer Syndrome; Hereditary neoplastic syndrome. Identifiers: Orphanet 140162, MedGen C0027672, MeSH D009386, MONDO:0015356.
Rhabdoid tumor predisposition syndrome 2 (RTPS2). Identifiers: Orphanet 231108, Orphanet 69077, MedGen C2750074, MONDO:0013224, OMIM 613325.

Submissions (2):

Ambry Genetics
Classification: Pathogenic for Hereditary cancer-predisposing syndrome. Last evaluated: 2023-08-08. Review status: criteria provided, single submitter. Criteria: Ambry Variant Classification Scheme 2023. Collection method: clinical testing. Allele origin: germline.
Comment: The p.W1178* pathogenic mutation (also known as c.3533G>A), located in coding exon 24 of the SMARCA4 gene, results from a G to A substitution at nucleotide position 3533. This changes the amino acid from a tryptophan to a stop codon within coding exon 24. This alteration has been reported in the germline of a mother and daughter who were both initially diagnosed with histopathologically similar immature teratomas, which were later reclassified as malignant rhabdoid tumors. Additionally, tumor tissue from both the mother and daughter revealed an additional unique somatic truncating mutation in SMARCA4. This alteration was also absent from the mother's parents, suggesting it occurred de novo in the mother (Poremba C et al. Diagn. Mol. Pathol., 1993 Jun;2:131-6; Witkowski L et al. J. Pathol., 2013 Sep;231:35-43). This alteration is expected to result in loss of function by premature protein truncation or nonsense-mediated mRNA decay. Loss-of-function variants in SMARCA4 are known to cause rhabdoid tumor predisposition syndrome including small cell carcinoma of the ovary-hypercalcemic type (SCCOHT); however, such associations with neurodevelopmental disorders are exceedingly rare (Kosho T et al. Am J Med Genet C Semin Med Genet. 2014 Sep;166C(3):262-75; Jelinic P et al. Nat Genet. 2014 May;46(5):424-6). Based on the supporting evidence, this alteration is pathogenic for rhabdoid tumor predisposition syndrome; however, the association of this alteration with Coffin-Siris syndrome is unlikely.

OMIM
Classification: Pathogenic for RHABDOID TUMOR PREDISPOSITION SYNDROME 2. Last evaluated: 2013-09-01. Review status: no assertion criteria provided. Collection method: literature only. Allele origin: unknown. Not counted in ClinVar's aggregate classification.

Literature cited by the submitters: PubMed 23775540 (cited by Ambry Genetics and OMIM); PubMed 25060813 (cited by Ambry Genetics); PubMed 26552009 (cited by Ambry Genetics); PubMed 29706634 (cited by Ambry Genetics); PubMed 30662543 (cited by Ambry Genetics); PubMed 8269278 (cited by Ambry Genetics and OMIM).